The following is an entry in ClinVar:

NM_001458.5(FLNC):c.1141C>T (p.Arg381Cys)

Gene: FLNC (filamin C; plus strand). Cytogenetic location: 7q32.1.
Variant type: single nucleotide variant.
Coding change: c.1141C>T on transcript NM_001458.5 (MANE Select); coding-DNA position 1141, C replaced by T.
Protein change: p.Arg381Cys; replaces arginine 381 with cysteine.
Molecular consequence: missense variant.
Genome position (GRCh38, 1-based): chr7:128,838,360, C>T. VCF-style: chr7-128838360-C-T. GRCh37 (hg19) VCF-style: chr7-128478414-C-T.
Other names: c.1141C>T, p.Arg381Cys (NM_001127487.2); short protein forms R381C.
Identifiers: ClinVar variation 1009919 (VCV001009919.12), dbSNP rs770692923, ClinGen allele CA4474243.

ClinVar aggregate classification (germline): Conflicting classifications of pathogenicity. Review status: criteria provided, conflicting classifications (1 of 4 stars). 3 submissions from 3 submitters: Uncertain significance (2); Likely benign (1). Last evaluated 2026-03-12.

Conditions:
Cardiovascular phenotype. Identifiers: MedGen CN230736.
Myofibrillar myopathy 5. Also called: Filaminopathy (type); FILAMINOPATHY, AUTOSOMAL DOMINANT. Identifiers: Orphanet 171445, MedGen C1836050, MONDO:0012289, OMIM 609524.
Hypertrophic cardiomyopathy 26. Also called: Cardiomyopathy, familial hypertrophic, 26. Identifiers: Orphanet 75249, MedGen C4310749, MONDO:0014883, OMIM 617047.
Distal myopathy with posterior leg and anterior hand involvement. Also called: WILLIAMS DISTAL MYOPATHY. Identifiers: Orphanet 63273, MedGen C3279722, MONDO:0013550, OMIM 614065.

Allele frequency attached by ClinVar (database versions not stated): TOPMed 0.00001; gnomAD 0.00002; gnomAD exomes below 0.00001; ExAC 0.00001.
gnomAD v4.1: 9 of 1,613,980 alleles (0.00056%); highest among the groups gnomAD compares: African/African-American, 0.0027%; no homozygotes.

Submissions (3):

Women's Health and Genetics/Laboratory Corporation of America, LabCorp
Classification: Uncertain significance. Last evaluated: 2026-03-12. Review status: criteria provided, single submitter. Criteria: LabCorp Variant Classification Summary - May 2015. Collection method: clinical testing. Allele origin: germline.
Comment: Variant summary: FLNC c.1141C>T (p.Arg381Cys) results in a non-conservative amino acid change in the encoded protein sequence. Algorithms developed to predict the effect of missense changes on protein structure and function all suggest that this variant is likely to be disruptive. The variant allele was found at a frequency of 4e-06 in 249526 control chromosomes. The available data on variant occurrences in the general population are insufficient to allow any conclusion about variant significance. c.1141C>T has been observed in individual(s) affected with Dilated Cardiomyopathy (Lian_2023), without evidence for causality. These report(s) do not provide unequivocal conclusions about association of the variant with Dilated Cardiomyopathy. To our knowledge, no experimental evidence demonstrating an impact on protein function has been reported. The following publication have been ascertained in the context of this evaluation (PMID: 37461109). ClinVar contains an entry for this variant (Variation ID: 1009919). Based on the evidence outlined above, the variant was classified as uncertain significance.

Labcorp Genetics (formerly Invitae), Labcorp
Classification: Likely benign for Distal myopathy with posterior leg and anterior hand involvement; Myofibrillar myopathy 5; Hypertrophic cardiomyopathy 26. Last evaluated: 2025-11-17. Review status: criteria provided, single submitter. Criteria: Invitae Variant Classification Sherloc (09022015). Collection method: clinical testing. Allele origin: germline.

Ambry Genetics
Classification: Uncertain significance for Cardiovascular phenotype. Last evaluated: 2020-06-30. Review status: criteria provided, single submitter. Criteria: Ambry Variant Classification Scheme 2023. Collection method: clinical testing. Allele origin: germline.
Comment: The p.R381C variant (also known as c.1141C>T), located in coding exon 7 of the FLNC gene, results from a C to T substitution at nucleotide position 1141. The arginine at codon 381 is replaced by cysteine, an amino acid with highly dissimilar properties. This amino acid position is well conserved in available vertebrate species. In addition, the in silico prediction for this alteration is inconclusive. Since supporting evidence is limited at this time, the clinical significance of this alteration remains unclear.

Literature cited by the submitters: PubMed 37461109 (cited by Women's Health and Genetics/Laboratory Corporation of America, LabCorp).